The following is an entry in ClinVar:

ClinVar aggregate classification (germline): Pathogenic/Likely pathogenic. Review status: criteria provided, multiple submitters, no conflicts (2 of 4 stars). 5 submissions from 4 submitters: Pathogenic (1); Likely pathogenic (1). 3 of the submissions do not count toward it. Last evaluated 2025-02-05.

Conditions:
Retinitis pigmentosa 25 (RP25). Identifiers: Orphanet 791, MedGen C1864446, MONDO:0011272, OMIM 602772.

gnomAD v4.1: 1 of 1,614,044 alleles (0.000062%); highest among the groups gnomAD compares: Non-Finnish European, 0.000085%; no homozygotes.

Submissions (5):

SingHealth Duke-NUS Institute of Precision Medicine
Classification: Likely pathogenic for Retinitis pigmentosa 25. Last evaluated: 2025-02-05. Review status: criteria provided, single submitter. Criteria: PRISM ACMG Classification Criteria. Collection method: clinical testing. Allele origin: germline. Affected: yes.
Comment: Variant is predicted to cause nonsense-mediated decay in a gene where LOF is a known cause of pathogenicity (PVS1). Homozygous allele count in gnomAD exomes and genomes are less than 0 (PM2)

Labcorp Genetics (formerly Invitae), Labcorp
Classification: Pathogenic. Last evaluated: 2022-03-10. Review status: criteria provided, single submitter. Criteria: Invitae Variant Classification Sherloc (09022015). Collection method: clinical testing. Allele origin: germline.
Comment: For these reasons, this variant has been classified as Pathogenic. ClinVar contains an entry for this variant (Variation ID: 560453). This variant has not been reported in the literature in individuals affected with EYS-related conditions. This variant is not present in population databases (gnomAD no frequency). This sequence change creates a premature translational stop signal (p.Gln35*) in the EYS gene. It is expected to result in an absent or disrupted protein product. Loss-of-function variants in EYS are known to be pathogenic (PMID: 18836446, 20333770).

Joint Genome Diagnostic Labs from Nijmegen and Maastricht, Radboudumc and MUMC+
Classification: Pathogenic for Retinitis pigmentosa 25. Last evaluated: 2016-09-01. Review status: no assertion criteria provided. Collection method: clinical testing. Allele origin: unknown. Affected: yes. Observed: 1 variant allele. Not counted in ClinVar's aggregate classification.

Clinical Genetics, Academic Medical Center
Classification: Pathogenic. Review status: no assertion criteria provided. Collection method: clinical testing. Allele origin: germline. Affected: yes. Study: VKGL Data-share Consensus. Not counted in ClinVar's aggregate classification.

Joint Genome Diagnostic Labs from Nijmegen and Maastricht, Radboudumc and MUMC+
Classification: Pathogenic. Review status: no assertion criteria provided. Collection method: clinical testing. Allele origin: germline. Affected: yes. Study: VKGL Data-share Consensus. Not counted in ClinVar's aggregate classification.

Literature cited by the submitters: PubMed 18836446 (cited by Labcorp Genetics (formerly Invitae), Labcorp); PubMed 20333770 (cited by Labcorp Genetics (formerly Invitae), Labcorp).

NM_001142800.2(EYS):c.103C>T (p.Gln35Ter)

Gene: EYS (EGF-like photoreceptor maintenance factor; minus strand). Cytogenetic location: 6q12.
Variant type: single nucleotide variant.
Coding change: c.103C>T on transcript NM_001142800.2 (MANE Select); coding-DNA position 103, C replaced by T.
Protein change: p.Gln35Ter; replaces glutamine 35 with a stop codon.
Molecular consequence: nonsense.
Genome position (GRCh38, 1-based): chr6:65,495,308, G>A on the plus strand (C>T on the coding strand, the complement: EYS is on the minus strand). VCF-style: chr6-65495308-G-A. GRCh37 (hg19) VCF-style: chr6-66205201-G-A.
Other names: c.103C>T, p.Gln35Ter (NM_001142801.2, NM_001292009.2, NM_198283.2); short protein forms Q35*.
Identifiers: ClinVar variation 560453 (VCV000560453.11), dbSNP rs749410700, ClinGen allele CA364790646.